The following is an entry in ClinVar:

NM_005896.4(IDH1):c.64A>T (p.Ile22Phe)

Gene: IDH1 (isocitrate dehydrogenase (NADP(+)) 1; minus strand). Cytogenetic location: 2q34.
Variant type: single nucleotide variant.
Coding change: c.64A>T on transcript NM_005896.4 (MANE Select); coding-DNA position 64, A replaced by T.
Protein change: p.Ile22Phe; replaces isoleucine 22 with phenylalanine.
Molecular consequence: missense variant.
Genome position (GRCh38, 1-based): chr2:208,251,488, T>A on the plus strand (A>T on the coding strand, the complement: IDH1 is on the minus strand). VCF-style: chr2-208251488-T-A. GRCh37 (hg19) VCF-style: chr2-209116212-T-A.
Other names: c.64A>T, p.Ile22Phe (NM_001282386.1, NM_001282387.1); short protein forms I22F.
Identifiers: ClinVar variation 2562459 (VCV002562459.2), dbSNP rs1170747681, ClinGen allele CA350103043.

ClinVar aggregate classification (germline): Uncertain significance (1 of 4 stars; one submission).

gnomAD v4.1: 1 of 1,613,938 alleles (0.000062%); highest among the groups gnomAD compares: Non-Finnish European, 0.000085%; no homozygotes.

Submission:

Ambry Genetics
Classification: Uncertain significance. Last evaluated: 2023-04-19. Review status: criteria provided, single submitter. Criteria: Ambry Variant Classification Scheme 2023. Collection method: clinical testing. Allele origin: germline.
Comment: The p.I22F variant (also known as c.64A>T), located in coding exon 1 of the IDH1 gene, results from an A to T substitution at nucleotide position 64. The isoleucine at codon 22 is replaced by phenylalanine, an amino acid with highly similar properties. This amino acid position is conserved. In addition, this alteration is predicted to be deleterious by in silico analysis. Since supporting evidence is limited at this time, the clinical significance of this alteration remains unclear.